The following is an entry in ClinVar:

NM_003482.4(KMT2D):c.13618C>T (p.Arg4540Trp)

Gene: KMT2D (lysine methyltransferase 2D; minus strand). Cytogenetic location: 12q13.12.
Variant type: single nucleotide variant.
Coding change: c.13618C>T on transcript NM_003482.4 (MANE Select); coding-DNA position 13618, C replaced by T.
Protein change: p.Arg4540Trp; replaces arginine 4540 with tryptophan.
Molecular consequence: missense variant.
Genome position (GRCh38, 1-based): chr12:49,030,946, G>A on the plus strand (C>T on the coding strand, the complement: KMT2D is on the minus strand). VCF-style: chr12-49030946-G-A. GRCh37 (hg19) VCF-style: chr12-49424729-G-A.
Other names: short protein forms R4540W.
Identifiers: ClinVar variation 3350151 (VCV003350151.1).

ClinVar aggregate classification (germline): Uncertain significance (0 of 4 stars; one submission).

Conditions:
KMT2D-related disorder. Also called: KMT2D-Related Disorders.

Submission:

PreventionGenetics, part of Exact Sciences
Classification: Uncertain significance for KMT2D-related condition. Last evaluated: 2024-03-26. Review status: no assertion criteria provided. Collection method: clinical testing. Allele origin: germline.
Comment: The KMT2D c.13618C>T variant is predicted to result in the amino acid substitution p.Arg4540Trp. To our knowledge, this variant has not been reported in the literature. This variant is reported in 0.0029% of alleles in individuals of Latino descent in gnomAD. At this time, the clinical significance of this variant is uncertain due to the absence of conclusive functional and genetic evidence.